The following is an entry in ClinVar:

NM_003072.5(SMARCA4):c.1593+343G>A

Gene: SMARCA4 (SWI/SNF related BAF chromatin remodeling complex subunit ATPase 4; plus strand). Cytogenetic location: 19p13.2.
Variant type: single nucleotide variant.
Coding change: c.1593+343G>A on transcript NM_003072.5 (MANE Select); 343 bases into the intron after coding-DNA position 1593, G replaced by A.
Molecular consequence: intron variant.
Genome position (GRCh38, 1-based): chr19:10,995,344, G>A. VCF-style: chr19-10995344-G-A. GRCh37 (hg19) VCF-style: chr19-11106020-G-A.
Other names: c.1593+343G>A (NM_001128844.3, NM_001128849.3, NM_001128847.4 and 5 more transcripts).
Identifiers: ClinVar variation 1675720 (VCV001675720.34), dbSNP rs117788028, ClinGen allele CA9203825.

ClinVar aggregate classification (germline): Benign/Likely benign. Review status: criteria provided, multiple submitters, no conflicts (2 of 4 stars). 2 submissions from 2 submitters: Benign (1); Likely benign (1). Last evaluated 2023-06-01.

Allele frequency attached by ClinVar (database versions not stated): ExAC 0.00175; 1000 Genomes Project 0.00280; 1000 Genomes Project 30x 0.00297; gnomAD exomes 0.00534 and 0.00763; TOPMed 0.00550; gnomAD 0.00696 and 0.00724.
gnomAD v4.1: 3,706 of 498,328 alleles (0.74%); highest among the groups gnomAD compares: Non-Finnish European, 1.1%; 20 homozygotes.

Submissions (2):

CeGaT Center for Human Genetics Tuebingen
Classification: Benign. Last evaluated: 2023-06-01. Review status: criteria provided, single submitter. Criteria: CeGaT Center For Human Genetics Tuebingen Variant Classification Criteria Version 2. Collection method: clinical testing. Allele origin: germline. Affected: yes. Observed: 23 variant alleles.
Comment: SMARCA4: BS1, BS2

Breakthrough Genomics
Classification: Likely benign. Review status: criteria provided, single submitter. Criteria: ACMG Guidelines, 2015. Collection method: not provided. Allele origin: germline. Inheritance: Autosomal dominant inheritance. Affected: yes.